The following is an entry in ClinVar:

ClinVar aggregate classification (germline): Uncertain significance (1 of 4 stars; one submission).

Submission:

GeneDx
Classification: Uncertain significance. Last evaluated: 2025-11-02. Review status: criteria provided, single submitter. Criteria: GeneDx Variant Classification Process June 2021. Collection method: clinical testing. Allele origin: germline. Affected: yes.
Comment: Not observed at significant frequency in large population cohorts (gnomAD); In silico analysis suggests that this missense variant does not alter protein structure/function; Has not been previously published as pathogenic or benign to our knowledge

NM_006593.4(TBR1):c.445C>A (p.His149Asn)

Gene: TBR1 (T-box brain transcription factor 1; plus strand). Cytogenetic location: 2q24.2.
Variant type: single nucleotide variant.
Coding change: c.445C>A on transcript NM_006593.4 (MANE Select); coding-DNA position 445, C replaced by A.
Protein change: p.His149Asn; replaces histidine 149 with asparagine.
Molecular consequence: missense variant.
Genome position (GRCh38, 1-based): chr2:161,416,855, C>A. VCF-style: chr2-161416855-C-A. GRCh37 (hg19) VCF-style: chr2-162273366-C-A.
Other names: short protein forms H149N.
Identifiers: ClinVar variation 2443426 (VCV002443426.2), dbSNP rs2468090657, ClinGen allele CA349211410.